The following is an entry in ClinVar:

ClinVar aggregate classification (germline): Uncertain significance. Review status: criteria provided, multiple submitters, no conflicts (2 of 4 stars). 4 submissions from 4 submitters: Uncertain significance (4). Last evaluated 2025-03-25.

Conditions:
Emery-Dreifuss muscular dystrophy 4, autosomal dominant (EDMD4). Also called: EMERY-DREIFUSS MUSCULAR DYSTROPHY 4 WITH VARIABLE FEATURES. Identifiers: Orphanet 261, MedGen C2751807, MONDO:0013071, OMIM 612998.
Autosomal recessive ataxia, Beauce type. Also called: SYNE1 Deficiency; Spinocerebellar ataxia, autosomal recessive 8; ATAXIA, RECESSIVE, OF BEAUCE; SYNE1-Related Autosomal Recessive Cerebellar Ataxia. Identifiers: Orphanet 88644, MedGen C1853116, MONDO:0012549, OMIM 610743.

Allele frequency attached by ClinVar (database versions not stated): gnomAD exomes 0.00013 and 0.00009; ExAC 0.00015; 1000 Genomes Project 0.00020; gnomAD 0.00021 and 0.00024; TOPMed 0.00021; 1000 Genomes Project 30x 0.00031; ESP Exome Variant Server 0.00031.
gnomAD v4.1: 177 of 1,614,150 alleles (0.011%); highest among the groups gnomAD compares: African/African-American, 0.047%; no homozygotes.

Submissions (4):

Revvity Omics, Revvity
Classification: Uncertain significance. Last evaluated: 2025-03-25. Review status: criteria provided, single submitter. Criteria: ACMG Guidelines, 2015. Collection method: clinical testing. Allele origin: germline.

Labcorp Genetics (formerly Invitae), Labcorp
Classification: Uncertain significance for Emery-Dreifuss muscular dystrophy 4, autosomal dominant; Autosomal recessive ataxia, Beauce type. Last evaluated: 2025-01-06. Review status: criteria provided, single submitter. Criteria: Invitae Variant Classification Sherloc (09022015). Collection method: clinical testing. Allele origin: germline.
Comment: This sequence change replaces valine, which is neutral and non-polar, with methionine, which is neutral and non-polar, at codon 7816 of the SYNE1 protein (p.Val7816Met). This variant is present in population databases (rs143842011, gnomAD 0.04%). This variant has not been reported in the literature in individuals affected with SYNE1-related conditions. ClinVar contains an entry for this variant (Variation ID: 500811). An algorithm developed to predict the effect of missense changes on protein structure and function (PolyPhen-2) suggests that this variant is likely to be disruptive. In summary, the available evidence is currently insufficient to determine the role of this variant in disease. Therefore, it has been classified as a Variant of Uncertain Significance.

Athena Diagnostics
Classification: Uncertain significance. Last evaluated: 2020-01-06. Review status: criteria provided, single submitter. Criteria: Athena Diagnostics Criteria. Collection method: clinical testing. Allele origin: unknown.

Eurofins Ntd Llc (ga)
Classification: Uncertain significance. Last evaluated: 2017-03-13. Review status: criteria provided, single submitter. Criteria: EGL Classification Definitions 2015. Collection method: clinical testing. Allele origin: germline. Observed: 1 variant allele, 1 heterozygote.

NM_182961.4(SYNE1):c.23659G>A (p.Val7887Met)

Gene: SYNE1 (spectrin repeat containing nuclear envelope protein 1; minus strand). Cytogenetic location: 6q25.2.
Variant type: single nucleotide variant.
Coding change: c.23659G>A on transcript NM_182961.4 (MANE Select); coding-DNA position 23659, G replaced by A.
Protein change: p.Val7887Met; replaces valine 7887 with methionine.
Molecular consequence: missense variant.
Genome position (GRCh38, 1-based): chr6:152,164,294, C>T on the plus strand (G>A on the coding strand, the complement: SYNE1 is on the minus strand). VCF-style: chr6-152164294-C-T. GRCh37 (hg19) VCF-style: chr6-152485429-C-T.
Other names: c.265G>A, p.Val89Met (NM_001347701.2); c.124G>A, p.Val42Met (NM_001347702.2); c.23446G>A, p.Val7816Met (NM_033071.5); short protein forms V7816M, V7887M, V42M, V89M.
Identifiers: ClinVar variation 500811 (VCV000500811.13), dbSNP rs143842011, ClinGen allele CA4053392.